The following is an entry in ClinVar:

ClinVar aggregate classification (germline): Uncertain significance (1 of 4 stars; one submission).

Allele frequency attached by ClinVar (database versions not stated): TOPMed below 0.00001; gnomAD exomes below 0.00001.

Submission:

Labcorp Genetics (formerly Invitae), Labcorp
Classification: Uncertain significance. Last evaluated: 2023-10-29. Review status: criteria provided, single submitter. Criteria: Invitae Variant Classification Sherloc (09022015). Collection method: clinical testing. Allele origin: germline.
Comment: This sequence change replaces alanine, which is neutral and non-polar, with threonine, which is neutral and polar, at codon 382 of the RHOBTB2 protein (p.Ala382Thr). This variant is not present in population databases (gnomAD no frequency). This variant has not been reported in the literature in individuals affected with RHOBTB2-related conditions. Advanced modeling of protein sequence and biophysical properties (such as structural, functional, and spatial information, amino acid conservation, physicochemical variation, residue mobility, and thermodynamic stability) performed at Invitae indicates that this missense variant is not expected to disrupt RHOBTB2 protein function with a negative predictive value of 80%. In summary, the available evidence is currently insufficient to determine the role of this variant in disease. Therefore, it has been classified as a Variant of Uncertain Significance.

NM_015178.3(RHOBTB2):c.1078G>A (p.Ala360Thr)

Gene: RHOBTB2 (Rho related BTB domain containing 2; plus strand). Cytogenetic location: 8p21.3.
Variant type: single nucleotide variant.
Coding change: c.1078G>A on transcript NM_015178.3 (MANE Select); coding-DNA position 1078, G replaced by A.
Protein change: p.Ala360Thr; replaces alanine 360 with threonine.
Molecular consequence: missense variant.
Genome position (GRCh38, 1-based): chr8:23,007,323, G>A. VCF-style: chr8-23007323-G-A. GRCh37 (hg19) VCF-style: chr8-22864836-G-A.
Other names: c.1144G>A, p.Ala382Thr (NM_001160036.2); c.1099G>A, p.Ala367Thr (NM_001160037.2); c.1078G>A, p.Ala360Thr (NM_001374791.1); short protein forms A367T, A360T, A382T.
Identifiers: ClinVar variation 2772573 (VCV002772573.3), dbSNP rs1248597465, ClinGen allele CA370567422.